The following is an entry in ClinVar:

NM_032119.4(ADGRV1):c.854G>C (p.Arg285Pro)

Gene: ADGRV1 (adhesion G protein-coupled receptor V1; plus strand). Cytogenetic location: 5q14.3.
Variant type: single nucleotide variant.
Coding change: c.854G>C on transcript NM_032119.4 (MANE Select); coding-DNA position 854, G replaced by C.
Protein change: p.Arg285Pro; replaces arginine 285 with proline.
Molecular consequence: missense variant. On other transcripts: non-coding transcript variant (1).
Genome position (GRCh38, 1-based): chr5:90,627,392, G>C. VCF-style: chr5-90627392-G-C. GRCh37 (hg19) VCF-style: chr5-89923209-G-C.
Other names: short protein forms R285P.
Identifiers: ClinVar variation 3372599 (VCV003372599.2).
Genomic context (GRCh38, chr5:90,627,392, plus strand): 5'-TCCTTCAGAGTATTTATTTGGTTCCTGAGGAAGACCACATACTCATAATTCCAGTAGTTC[G>C]TGGAAAGGACAACAATGGAAATCTGATTGGATCTGATGAATATGAGGTTTCAATCAGTTA-3'
Protein context (NP_115495.3, residues 275-295): EDHILIIPVV[Arg285Pro]GKDNNGNLIG

ClinVar aggregate classification (germline): Uncertain significance. Review status: criteria provided, multiple submitters, no conflicts (2 of 4 stars). 2 submissions from 2 submitters: Uncertain significance (2). Last evaluated 2025-08-26.

Conditions:
Inborn genetic diseases. Identifiers: MedGen C0950123, MeSH D030342.

gnomAD v4.1: 1 of 1,613,842 alleles (0.000062%); highest among the groups gnomAD compares: East Asian, 0.0022%; no homozygotes.

Submissions (2):

Ambry Genetics
Classification: Uncertain significance for Inborn genetic diseases. Last evaluated: 2025-08-26. Review status: criteria provided, single submitter. Criteria: Ambry Variant Classification Scheme 2023. Collection method: clinical testing. Allele origin: germline.

GeneDx
Classification: Uncertain significance. Last evaluated: 2024-04-12. Review status: criteria provided, single submitter. Criteria: GeneDx Variant Classification Process June 2021. Collection method: clinical testing. Allele origin: germline. Affected: yes.
Comment: Not observed at significant frequency in large population cohorts (gnomAD); In silico analysis supports that this missense variant has a deleterious effect on protein structure/function; Has not been previously published as pathogenic or benign to our knowledge